The following is an entry in ClinVar:

NM_001191061.2(SLC25A22):c.678C>T (p.Tyr226=)

Gene: SLC25A22 (solute carrier family 25 member 22; minus strand). Cytogenetic location: 11p15.5.
Variant type: single nucleotide variant.
Coding change: c.678C>T on transcript NM_001191061.2 (MANE Select); coding-DNA position 678, C replaced by T.
Protein change: p.Tyr226=; no amino-acid change (tyrosine 226 retained).
Molecular consequence: synonymous variant.
Genome position (GRCh38, 1-based): chr11:792,368, G>A on the plus strand (C>T on the coding strand, the complement: SLC25A22 is on the minus strand). VCF-style: chr11-792368-G-A. GRCh37 (hg19) VCF-style: chr11-792368-G-A.
Other names: c.678C>T, p.Tyr226= (NM_001191060.2, NM_024698.6); c.678C>T (NM_001191060.1).
Identifiers: ClinVar variation 306262 (VCV000306262.35), dbSNP rs200072903, ClinGen allele CA5789102.

ClinVar aggregate classification (germline): Conflicting classifications of pathogenicity. Review status: criteria provided, conflicting classifications (1 of 4 stars). 7 submissions from 7 submitters: Uncertain significance (1); Likely benign (6). Last evaluated 2026-01-14.

Conditions:
Early-infantile DEE. Also called: Ohtahara syndrome; Early infantile epileptic encephalopathy with suppression bursts; Early infantile epileptic encephalopathy. Identifiers: Orphanet 1934, MedGen C0393706, MONDO:0800491.
SLC25A22-related disorder. Also called: SLC25A22-related condition.
Inborn genetic diseases. Identifiers: MedGen C0950123, MeSH D030342.
Early Myoclonic Encephalopathy. Identifiers: MedGen C0270855.

Allele frequency attached by ClinVar (database versions not stated): ExAC 0.00006; ESP Exome Variant Server 0.00008; gnomAD exomes 0.00010; gnomAD 0.00013 and 0.00015; TOPMed 0.00015.
gnomAD v4.1: 394 of 1,613,150 alleles (0.024%); highest among the groups gnomAD compares: Non-Finnish European, 0.032%; no homozygotes.

Submissions (7):

Labcorp Genetics (formerly Invitae), Labcorp
Classification: Likely benign for Early-infantile DEE. Last evaluated: 2026-01-14. Review status: criteria provided, single submitter. Criteria: Invitae Variant Classification Sherloc (09022015). Collection method: clinical testing. Allele origin: germline.

PreventionGenetics, part of Exact Sciences
Classification: Likely benign for SLC25A22-related condition. Last evaluated: 2025-02-20. Review status: criteria provided, single submitter. Criteria: ACMG Guidelines, 2015. Collection method: clinical testing. Allele origin: germline.
Comment: This variant is classified as likely benign based on ACMG/AMP sequence variant interpretation guidelines (Richards et al. 2015 PMID: 25741868, with internal and published modifications).

CeGaT Center for Human Genetics Tuebingen
Classification: Likely benign. Last evaluated: 2024-09-01. Review status: criteria provided, single submitter. Criteria: CeGaT Center For Human Genetics Tuebingen Variant Classification Criteria Version 2. Collection method: clinical testing. Allele origin: germline. Affected: yes. Observed: 1 variant allele.
Comment: SLC25A22: BP4, BP7

Blueprint Genetics
Classification: Likely benign. Last evaluated: 2024-08-12. Review status: criteria provided, single submitter. Criteria: ACMG Guidelines, 2015. Collection method: clinical testing. Allele origin: germline.

GeneDx
Classification: Likely benign. Last evaluated: 2021-05-12. Review status: criteria provided, single submitter. Criteria: GeneDx Variant Classification Process June 2021. Collection method: clinical testing. Allele origin: germline. Affected: yes.

Ambry Genetics
Classification: Likely benign for Inborn genetic diseases. Last evaluated: 2019-01-31. Review status: criteria provided, single submitter. Criteria: Ambry Variant Classification Scheme 2023. Collection method: clinical testing. Allele origin: germline.

Illumina Laboratory Services, Illumina
Classification: Uncertain significance for Developmental and epileptic encephalopathy, 3. Last evaluated: 2018-01-12. Review status: criteria provided, single submitter. Criteria: ICSL Variant Classification Criteria 13 December 2019. Collection method: clinical testing. Allele origin: germline.